The following is an entry in ClinVar:

NM_000051.4(ATM):c.5347_5351del (p.Glu1783fs)

Gene: ATM (ATM serine/threonine kinase; plus strand). Cytogenetic location: 11q22.3.
Variant type: Deletion.
Coding change: c.5347_5351del on transcript NM_000051.4 (MANE Select); coding-DNA positions 5347 to 5351, 5 bases deleted (GAAAA; older notation c.5347_5351delGAAAA).
Protein change: p.Glu1783fs; shifts the reading frame from glutamic acid 1783.
Molecular consequence: frameshift variant.
Genome position (GRCh38, 1-based): chr11:108,302,880-108,302,884, GAAAA deleted; deleting any 5 consecutive bases within chr11:108,302,877-108,302,884 gives the same sequence; the c. name uses the placement nearest the transcript's 3' end. VCF-style (leftmost placement, unchanged base first): chr11-108302876-CAAAGA-C. GRCh37 (hg19) VCF-style: chr11-108173603-CAAAGA-C.
Other names: c.5347_5351del, p.Glu1783fs (NM_001351834.2); short protein forms E1783fs.
Identifiers: ClinVar variation 1746956 (VCV001746956.2), dbSNP rs2546979048, ClinGen allele CA2580083112.

ClinVar aggregate classification (germline): Pathogenic (1 of 4 stars; one submission).

Conditions:
Hereditary cancer-predisposing syndrome. Also called: Hereditary Cancer Syndrome; Neoplastic Syndromes, Hereditary; Tumor predisposition; Hereditary neoplastic syndrome. Identifiers: Orphanet 140162, MedGen C0027672, MeSH D009386, MONDO:0015356.

Submission:

Ambry Genetics
Classification: Pathogenic for Hereditary cancer-predisposing syndrome. Last evaluated: 2022-08-31. Review status: criteria provided, single submitter. Criteria: Ambry Variant Classification Scheme 2023. Collection method: clinical testing. Allele origin: germline.
Comment: The c.5347_5351delGAAAA pathogenic variant, located in coding exon 35 of the ATM gene, results from a deletion of 5 nucleotides at nucleotide positions 5347 to 5351, causing a translational frameshift with a predicted alternate stop codon (p.E1783Pfs*3). This alteration is expected to result in loss of function by premature protein truncation or nonsense-mediated mRNA decay. As such, this alteration is interpreted as a disease-causing mutation.